The following is an entry in ClinVar:

NM_000059.4(BRCA2):c.2237T>C (p.Val746Ala)

Gene: BRCA2 (BRCA2 DNA repair associated; plus strand). Cytogenetic location: 13q13.1.
Variant type: single nucleotide variant.
Coding change: c.2237T>C on transcript NM_000059.4 (MANE Select); coding-DNA position 2237, T replaced by C.
Protein change: p.Val746Ala; replaces valine 746 with alanine.
Molecular consequence: missense variant.
Genome position (GRCh38, 1-based): chr13:32,336,592, T>C. VCF-style: chr13-32336592-T-C. GRCh37 (hg19) VCF-style: chr13-32910729-T-C.
Other names: c.2237T>C, p.Val746Ala (NM_001406719.1, NM_001406720.1); short protein forms V746A.
Identifiers: ClinVar variation 2108422 (VCV002108422.6), dbSNP rs2548523459, ClinGen allele CA387770806.

ClinVar aggregate classification (germline): Conflicting classifications of pathogenicity. Review status: criteria provided, conflicting classifications (1 of 4 stars). 2 submissions from 2 submitters: Uncertain significance (1); Likely benign (1). Last evaluated 2023-03-23.

Conditions:
Hereditary cancer-predisposing syndrome. Also called: Neoplastic Syndromes, Hereditary; Hereditary Cancer Syndrome; Hereditary neoplastic syndrome; Tumor predisposition. Identifiers: Orphanet 140162, MedGen C0027672, MeSH D009386, MONDO:0015356.
Hereditary breast ovarian cancer syndrome. Also called: Hereditary breast and ovarian cancer syndrome; BRCA1- and BRCA2-Associated Hereditary Breast and Ovarian Cancer; Hereditary breast and ovarian cancer; Hereditary breast and/or ovarian cancer syndrome; Hereditary breast and ovarian cancer syndrome (HBOC); Breast and ovarian cancer. Identifiers: Orphanet 145, MedGen C0677776, MeSH D061325, MONDO:0003582. Disease mechanism: loss of function.

Submissions (2):

University of Washington Department of Laboratory Medicine, University of Washington
Classification: Likely benign for Hereditary cancer-predisposing syndrome. Last evaluated: 2023-03-23. Review status: criteria provided, single submitter. Criteria: Dines et al. (Genet Med. 2020). Collection method: curation. Allele origin: germline.
Comment: Missense variant in a coldspot region where missense variants are very unlikely to be pathogenic (PMID:31911673).

BRCA2 exon 11 coldspot. Reclassification based on statistical prior probability.

Labcorp Genetics (formerly Invitae), Labcorp
Classification: Uncertain significance for Hereditary breast ovarian cancer syndrome. Last evaluated: 2022-03-10. Review status: criteria provided, single submitter. Criteria: Invitae Variant Classification Sherloc (09022015). Collection method: clinical testing. Allele origin: germline.
Comment: This sequence change replaces valine, which is neutral and non-polar, with alanine, which is neutral and non-polar, at codon 746 of the BRCA2 protein (p.Val746Ala). This variant is not present in population databases (gnomAD no frequency). In summary, the available evidence is currently insufficient to determine the role of this variant in disease. Therefore, it has been classified as a Variant of Uncertain Significance. Advanced modeling of protein sequence and biophysical properties (such as structural, functional, and spatial information, amino acid conservation, physicochemical variation, residue mobility, and thermodynamic stability) performed at Invitae indicates that this missense variant is not expected to disrupt BRCA2 protein function. This variant has not been reported in the literature in individuals affected with BRCA2-related conditions.